The following is an entry in ClinVar:

ClinVar aggregate classification (germline): Likely pathogenic. Review status: criteria provided, single submitter (1 of 4 stars). 2 submissions from 2 submitters: Likely pathogenic (1). 1 of the submissions does not count toward it. Last evaluated 2026-01-25.

Conditions:
Familial focal epilepsy with variable foci (FPEVF). Identifiers: Orphanet 98820, MedGen C1858477, MONDO:0020310.
DEPDC5-related disorder. Also called: DEPDC5-related condition; DEPDC5-related related disorder.

gnomAD v4.1: 8 of 1,590,636 alleles (0.0005%); highest among the groups gnomAD compares: Non-Finnish European, 0.00069%; no homozygotes.

Submissions (2):

Labcorp Genetics (formerly Invitae), Labcorp
Classification: Likely pathogenic for Familial focal epilepsy with variable foci. Last evaluated: 2026-01-25. Review status: criteria provided, single submitter. Criteria: Invitae Variant Classification Sherloc (09022015). Collection method: clinical testing. Allele origin: germline.
Comment: This sequence change affects a donor splice site in intron 29 of the DEPDC5 gene. It is expected to disrupt RNA splicing. Variants that disrupt the donor or acceptor splice site typically lead to a loss of protein function (PMID: 16199547), and loss-of-function variants in DEPDC5 are known to be pathogenic (PMID: 23542697, 23542701). This variant is present in population databases (rs748528625, gnomAD 0.0009%). This variant has not been reported in the literature in individuals affected with DEPDC5-related conditions. ClinVar contains an entry for this variant (Variation ID: 3355330). Algorithms developed to predict the effect of sequence changes on RNA splicing suggest that this variant may disrupt the consensus splice site. In summary, the currently available evidence indicates that the variant is pathogenic, but additional data are needed to prove that conclusively. Therefore, this variant has been classified as Likely Pathogenic.

PreventionGenetics, part of Exact Sciences
Classification: Likely pathogenic for DEPDC5-related condition. Last evaluated: 2024-07-20. Review status: no assertion criteria provided. Collection method: clinical testing. Allele origin: germline. Not counted in ClinVar's aggregate classification.
Comment: The DEPDC5 c.2801+2T>G variant is predicted to disrupt the GT donor site and interfere with normal splicing. To our knowledge, this variant has not been reported in the literature. This variant is reported in 0.00089% of alleles in individuals of European (Non-Finnish) descent in gnomAD. Variants that disrupt the consensus splice donor site in DEPDC5 are expected to be pathogenic. This variant is interpreted as likely pathogenic.

Literature cited by the submitters: PubMed 16199547 (cited by Labcorp Genetics (formerly Invitae), Labcorp); PubMed 23542697 (cited by Labcorp Genetics (formerly Invitae), Labcorp); PubMed 23542701 (cited by Labcorp Genetics (formerly Invitae), Labcorp).

NM_001242896.3(DEPDC5):c.2801+2T>G

Gene: DEPDC5 (DEP domain containing 5, GATOR1 subcomplex subunit; plus strand). Cytogenetic location: 22q12.3.
Variant type: single nucleotide variant.
Coding change: c.2801+2T>G on transcript NM_001242896.3 (MANE Select); the canonical splice donor site of the intron after coding-DNA position 2801, T replaced by G.
Molecular consequence: splice donor variant.
Genome position (GRCh38, 1-based): chr22:31,843,814, T>G. VCF-style: chr22-31843814-T-G. GRCh37 (hg19) VCF-style: chr22-32239800-T-G.
Other names: c.2801+2T>G (NM_001364318.2, NM_001363852.2, NM_001364320.2); c.2774+2T>G (NM_001136029.4, NM_014662.6, NM_001369903.1); c.2567+2T>G (NM_001363854.2, NM_001242897.2, NM_001364319.2); c.2717+2T>G (NM_001369902.1, NM_001369901.1).
Identifiers: ClinVar variation 3355330 (VCV003355330.2).
Genomic context (GRCh38, chr22:31,843,814, plus strand): 5'-GAGTACAAGTGGAATTACTTAGATCAGTATATCTGTTCTGCCGGCTCTGAAGACTTCAGG[T>G]CAGAGAGTGGGCTTTGGATTTCCATCTTTGCATCCTTGGGCAAGGATGTGTATGTGTATT-3'